The following is an entry in ClinVar:

ClinVar aggregate classification (germline): Likely pathogenic (1 of 4 stars; one submission).

Conditions:
Microphthalmia. Also called: Microphthalmos. Identifiers: MedGen C0026010, MONDO:0021129, HP:0000568.

Submission:

Genetics Department, University Hospital of Toulouse
Classification: Likely pathogenic for Microphthalmia. Last evaluated: 2022-10-15. Review status: criteria provided, single submitter. Criteria: ACMG Guidelines, 2015. Collection method: clinical testing. Allele origin: germline. Affected: yes.
Comment: LP (PS2, PM1, PM2, PP3)

NM_000965.5(RARB):c.1205T>C (p.Leu402Pro)

Gene: RARB (retinoic acid receptor beta; plus strand). Cytogenetic location: 3p24.2.
Variant type: single nucleotide variant.
Coding change: c.1205T>C on transcript NM_000965.5 (MANE Select); coding-DNA position 1205, T replaced by C.
Protein change: p.Leu402Pro; replaces leucine 402 with proline.
Molecular consequence: missense variant. On other transcripts: non-coding transcript variant (2).
Genome position (GRCh38, 1-based): chr3:25,596,474, T>C. VCF-style: chr3-25596474-T-C. GRCh37 (hg19) VCF-style: chr3-25637965-T-C.
Other names: c.1226T>C, p.Leu409Pro (NM_001290216.3); c.869T>C, p.Leu290Pro (NM_001290217.2, NM_001290276.2, NM_016152.4); c.1058T>C, p.Leu353Pro (NM_001290266.2); c.1067T>C, p.Leu356Pro (NM_001290277.1); c.1076T>C, p.Leu359Pro (NM_001290300.2); short protein forms L290P, L353P, L356P, L359P, L402P, L409P.
Identifiers: ClinVar variation 1710329 (VCV001710329.1), dbSNP rs2529826336, ClinGen allele CA351889174.
Genomic context (GRCh38, chr3:25,596,474, plus strand): 5'-GAAAAGGTGCAGAGCGTGTAATTACCTTGAAAATGGAAATTCCTGGATCAATGCCACCTC[T>C]CATTCAAGAAATGCTGGAGAATTCTGAAGGACATGAACCCTTGACCCCAAGTTCAAGTGG-3'
Protein context (NP_000956.2, residues 392-412): KMEIPGSMPP[Leu402Pro]IQEMLENSEG